The following is an entry in ClinVar:

ClinVar aggregate classification (germline): Uncertain significance. Review status: criteria provided, multiple submitters, no conflicts (2 of 4 stars). 3 submissions from 3 submitters: Uncertain significance (3). Last evaluated 2025-12-04.

Conditions:
CDH23-related disorder. Also called: CDH23-related condition; CDH23-related disorders.
Pituitary adenoma 5, multiple types. Identifiers: MedGen C4539685, MONDO:0054601, OMIM 617540.
Autosomal recessive nonsyndromic hearing loss 12. Also called: DEAFNESS, AUTOSOMAL RECESSIVE 12. Identifiers: Orphanet 90636, MedGen C1832394, MONDO:0011067, OMIM 601386.
Usher syndrome type 1D (USH1D). Also called: USHER SYNDROME, TYPE ID. Identifiers: Orphanet 231169, Orphanet 886, MedGen C1832845, MONDO:0010984, OMIM 601067.

Allele frequency attached by ClinVar (database versions not stated): gnomAD exomes 0.00001 and 0.00002; ExAC 0.00002; gnomAD 0.00006 and 0.00007; TOPMed 0.00019.
gnomAD v4.1: 22 of 1,600,194 alleles (0.0014%); highest among the groups gnomAD compares: Admixed American, 0.028%; no homozygotes.

Submissions (3):

PreventionGenetics, part of Exact Sciences
Classification: Uncertain significance for CDH23-related condition. Last evaluated: 2025-12-04. Review status: criteria provided, single submitter. Criteria: ACMG Guidelines, 2015. Collection method: clinical testing. Allele origin: germline.
Comment: The CDH23 c.66C>A variant is predicted to result in the amino acid substitution p.His22Gln. To our knowledge, this variant has not been reported in the literature. This variant is reported in 0.015% of alleles in individuals of Latino descent in gnomAD. At this time, the clinical significance of this variant is uncertain due to the absence of conclusive functional and genetic evidence.

Fulgent Genetics
Classification: Uncertain significance for Usher syndrome type 1D; Autosomal recessive nonsyndromic hearing loss 12; Pituitary adenoma 5, multiple types. Last evaluated: 2021-10-14. Review status: criteria provided, single submitter. Criteria: ACMG Guidelines, 2015. Collection method: clinical testing. Allele origin: unknown.

Laboratory for Molecular Medicine, Mass General Brigham Personalized Medicine
Classification: Uncertain significance. Last evaluated: 2016-06-02. Review status: criteria provided, single submitter. Criteria: LMM Criteria. Collection method: clinical testing. Allele origin: germline. Observed: 1 variant allele.
Comment: The p.His22Gln variant in CDH23 has not been previously reported in individuals with hearing loss or Usher syndrome. This variant has been identified in 2/1136 4 Latino chromosomes by the Exome Aggregation Consortium (ExAC; dbSNP rs775172553); however, its frequency is not high enough to rule out a pathogenic role. Computational prediction tools and conservation ana lyses do not provide strong support for or against an impact to the protein. In summary, the clinical significance of the p.His22Gln variant is uncertain.

NM_022124.6(CDH23):c.9381-123C>A

Gene: CDH23 (cadherin related 23; plus strand). Cytogenetic location: 10q22.1.
Variant type: single nucleotide variant.
Coding change: c.9381-123C>A on transcript NM_022124.6 (MANE Select); 123 bases into the intron before coding-DNA position 9381, C replaced by A.
Molecular consequence: intron variant. On other transcripts: missense variant (2).
Genome position (GRCh38, 1-based): chr10:71,812,357, C>A. VCF-style: chr10-71812357-C-A. GRCh37 (hg19) VCF-style: chr10-73572114-C-A.
Other names: c.66C>A, p.His22Gln (NM_001171935.1, NM_001171936.1); c.2661-123C>A (NM_001171933.1, NM_001171934.1); short protein forms H22Q.
Identifiers: ClinVar variation 505074 (VCV000505074.6), dbSNP rs775172553, ClinGen allele CA5547042.